The following is an entry in ClinVar:

ClinVar aggregate classification (germline): Conflicting classifications of pathogenicity. Review status: criteria provided, conflicting classifications (1 of 4 stars). 3 submissions from 3 submitters: Uncertain significance (2); Likely benign (1). Last evaluated 2026-04-30.

Conditions:
Inborn genetic diseases. Identifiers: MedGen C0950123, MeSH D030342.
ETV6-related disorder. Also called: ETV6-related condition.

gnomAD v4.1: 2 of 1,614,062 alleles (0.00012%); highest among the groups gnomAD compares: East Asian, 0.0045%; no homozygotes.

Submissions (3):

PreventionGenetics, part of Exact Sciences
Classification: Uncertain significance for ETV6-related condition. Last evaluated: 2026-04-30. Review status: criteria provided, single submitter. Criteria: ACMG Guidelines, 2015. Collection method: clinical testing. Allele origin: germline.
Comment: The ETV6 c.580C>T variant is predicted to result in the amino acid substitution p.Pro194Ser. To our knowledge, this variant has not been reported in the literature. This variant is reported in 0.0054% of alleles in individuals of East Asian descent in gnomAD. At this time, the clinical significance of this variant is uncertain due to the absence of conclusive functional and genetic evidence.

Ambry Genetics
Classification: Likely benign for Inborn genetic diseases. Last evaluated: 2025-08-06. Review status: criteria provided, single submitter. Criteria: Ambry Variant Classification Scheme 2023. Collection method: clinical testing. Allele origin: germline.

Labcorp Genetics (formerly Invitae), Labcorp
Classification: Uncertain significance. Last evaluated: 2024-12-31. Review status: criteria provided, single submitter. Criteria: Invitae Variant Classification Sherloc (09022015). Collection method: clinical testing. Allele origin: germline.
Comment: This sequence change replaces proline, which is neutral and non-polar, with serine, which is neutral and polar, at codon 194 of the ETV6 protein (p.Pro194Ser). This variant is present in population databases (no rsID available, gnomAD 0.006%). This variant has not been reported in the literature in individuals affected with ETV6-related conditions. Invitae Evidence Modeling of protein sequence and biophysical properties (such as structural, functional, and spatial information, amino acid conservation, physicochemical variation, residue mobility, and thermodynamic stability) indicates that this missense variant is not expected to disrupt ETV6 protein function with a negative predictive value of 80%. In summary, the available evidence is currently insufficient to determine the role of this variant in disease. Therefore, it has been classified as a Variant of Uncertain Significance.

NM_001987.5(ETV6):c.580C>T (p.Pro194Ser)

Gene: ETV6 (ETS variant transcription factor 6; plus strand). Cytogenetic location: 12p13.2.
Variant type: single nucleotide variant.
Coding change: c.580C>T on transcript NM_001987.5 (MANE Select); coding-DNA position 580, C replaced by T.
Protein change: p.Pro194Ser; replaces proline 194 with serine.
Molecular consequence: missense variant.
Genome position (GRCh38, 1-based): chr12:11,869,540, C>T. VCF-style: chr12-11869540-C-T. GRCh37 (hg19) VCF-style: chr12-12022474-C-T.
Other names: c.577C>T, p.Pro193Ser (NM_001413913.1); c.553C>T, p.Pro185Ser (NM_001413914.1); c.316C>T, p.Pro106Ser (NM_001413915.1); c.580C>T, p.Pro194Ser (NM_001413916.1, NM_001413917.1); short protein forms P194S, P193S, P185S, P106S.
Identifiers: ClinVar variation 3688965 (VCV003688965.4).
Genomic context (GRCh38, chr12:11,869,540, plus strand): 5'-CCCACCATTGAACTGTTGCACCGCTCCAGGTCACCTATCACGACAAATCACCGGCCTTCT[C>T]CTGACCCCGAGCAGCGGCCCCTCCGGTCCCCCCTGGACAACATGATCCGCCGCCTCTCCC-3'
Protein context (NP_001978.1, residues 184-204): SPITTNHRPS[Pro194Ser]DPEQRPLRSP